The following is an entry in ClinVar:

ClinVar aggregate classification (germline): Uncertain significance. Review status: criteria provided, multiple submitters, no conflicts (2 of 4 stars). 2 submissions from 2 submitters: Uncertain significance (2). Last evaluated 2026-01-20.

Conditions:
Hereditary cancer-predisposing syndrome. Also called: Tumor predisposition; Neoplastic Syndromes, Hereditary; Hereditary neoplastic syndrome; Hereditary Cancer Syndrome. Identifiers: Orphanet 140162, MedGen C0027672, MeSH D009386, MONDO:0015356.
Gastrointestinal stromal tumor. Also called: Gastrointestinal stromal tumor, somatic; Gastrointestinal stroma tumor. Identifiers: Orphanet 44890, MedGen C0238198, MeSH D046152, MONDO:0011719, OMIM 606764, HP:0100723.

Allele frequency attached by ClinVar (database versions not stated): gnomAD exomes below 0.00001; TOPMed 0.00001.
gnomAD v4.1: 1 of 1,613,502 alleles (0.000062%); highest among the groups gnomAD compares: Non-Finnish European, 0.000085%; no homozygotes.

Submissions (2):

Ambry Genetics
Classification: Uncertain significance for Hereditary cancer-predisposing syndrome. Last evaluated: 2026-01-20. Review status: criteria provided, single submitter. Criteria: Ambry Variant Classification Scheme 2023. Collection method: clinical testing. Allele origin: germline.
Comment: The p.E749V variant (also known as c.2246A>T), located in coding exon 16 of the KIT gene, results from an A to T substitution at nucleotide position 2246. The glutamic acid at codon 749 is replaced by valine, an amino acid with dissimilar properties. This amino acid position is conserved. In addition, the in silico prediction for this alteration is inconclusive. Based on the available evidence, the clinical significance of this variant remains unclear.

Labcorp Genetics (formerly Invitae), Labcorp
Classification: Uncertain significance for Gastrointestinal stromal tumor. Last evaluated: 2025-12-08. Review status: criteria provided, single submitter. Criteria: Invitae Variant Classification Sherloc (09022015). Collection method: clinical testing. Allele origin: germline.
Comment: This sequence change replaces glutamic acid, which is acidic and polar, with valine, which is neutral and non-polar, at codon 749 of the KIT protein (p.Glu749Val). This variant is not present in population databases (gnomAD no frequency). This variant has not been reported in the literature in individuals affected with KIT-related conditions. ClinVar contains an entry for this variant (Variation ID: 1023943). An algorithm developed to predict the effect of missense changes on protein structure and function (PolyPhen-2) suggests that this variant is likely to be disruptive. In summary, the available evidence is currently insufficient to determine the role of this variant in disease. Therefore, it has been classified as a Variant of Uncertain Significance.

NM_000222.3(KIT):c.2246A>T (p.Glu749Val)

Gene: KIT (KIT proto-oncogene, receptor tyrosine kinase; plus strand). Cytogenetic location: 4q12.
Variant type: single nucleotide variant.
Coding change: c.2246A>T on transcript NM_000222.3 (MANE Select); coding-DNA position 2246, A replaced by T.
Protein change: p.Glu749Val; replaces glutamic acid 749 with valine.
Molecular consequence: missense variant.
Genome position (GRCh38, 1-based): chr4:54,731,883, A>T. VCF-style: chr4-54731883-A-T. GRCh37 (hg19) VCF-style: chr4-55598049-A-T.
Other names: c.2234A>T, p.Glu745Val (NM_001093772.2, NM_001385292.1); c.2249A>T, p.Glu750Val (NM_001385284.1); c.2243A>T, p.Glu748Val (NM_001385285.1); c.2231A>T, p.Glu744Val (NM_001385286.1); c.2237A>T, p.Glu746Val (NM_001385288.1); c.2246A>T, p.Glu749Val (NM_001385290.1); c.2246A>T (NM_000222.2); short protein forms E744V, E745V, E746V, E748V, E749V, E750V.
Identifiers: ClinVar variation 1023943 (VCV001023943.10), dbSNP rs1158253739, ClinGen allele CA356910841.